The following is an entry in ClinVar:

NM_000059.4(BRCA2):c.3365G>T (p.Gly1122Val)

Gene: BRCA2 (BRCA2 DNA repair associated; plus strand). Cytogenetic location: 13q13.1.
Variant type: single nucleotide variant.
Coding change: c.3365G>T on transcript NM_000059.4 (MANE Select); coding-DNA position 3365, G replaced by T.
Protein change: p.Gly1122Val; replaces glycine 1122 with valine.
Molecular consequence: missense variant. On other transcripts: non-coding transcript variant (1), intron variant (2).
Genome position (GRCh38, 1-based): chr13:32,337,720, G>T. VCF-style: chr13-32337720-G-T. GRCh37 (hg19) VCF-style: chr13-32911857-G-T.
Other names: c.3365G>T, p.Gly1122Val (NM_001406719.1, NM_001406720.1); c.1909+4333G>T (NM_001406721.1); c.424+6690G>T (NM_001406722.1); short protein forms G1122V.
Identifiers: ClinVar variation 2774898 (VCV002774898.2), dbSNP rs532871047, ClinGen allele CA387776390.

ClinVar aggregate classification (germline): Uncertain significance (1 of 4 stars; one submission).

Conditions:
Hereditary cancer-predisposing syndrome. Also called: Neoplastic Syndromes, Hereditary; Tumor predisposition; Hereditary Cancer Syndrome; Hereditary neoplastic syndrome. Identifiers: Orphanet 140162, MedGen C0027672, MeSH D009386, MONDO:0015356.

Submission:

Color Diagnostics, LLC DBA Color Health
Classification: Uncertain significance for Hereditary cancer-predisposing syndrome. Last evaluated: 2023-02-21. Review status: criteria provided, single submitter. Criteria: ACMG Guidelines, 2015. Collection method: clinical testing. Allele origin: germline.
Comment: This missense variant replaces glycine with valine at codon 1122 of the BRCA2 protein. Computational prediction suggests that this variant may not impact protein structure and function (internally defined REVEL score threshold <= 0.5, PMID: 27666373). To our knowledge, functional studies have not been reported for this variant. This variant has not been reported in individuals affected with BRCA2-related disorders in the literature. This variant has not been identified in the general population by the Genome Aggregation Database (gnomAD). The available evidence is insufficient to determine the role of this variant in disease conclusively. Therefore, this variant is classified as a Variant of Uncertain Significance.